The following is an entry in ClinVar:

NM_015559.3(SETBP1):c.4234C>G (p.Arg1412Gly)

Gene: SETBP1 (SET binding protein 1; plus strand). Cytogenetic location: 18q12.3.
Variant type: single nucleotide variant.
Coding change: c.4234C>G on transcript NM_015559.3 (MANE Select); coding-DNA position 4234, C replaced by G.
Protein change: p.Arg1412Gly; replaces arginine 1412 with glycine.
Molecular consequence: missense variant.
Genome position (GRCh38, 1-based): chr18:45,063,141, C>G. VCF-style: chr18-45063141-C-G. GRCh37 (hg19) VCF-style: chr18-42643106-C-G.
Other names: c.4234C>G (NM_015559.2); c.4234C>G, p.Arg1412Gly (NM_001379141.1, NM_001379142.1); short protein forms R1412G.
Identifiers: ClinVar variation 1649355 (VCV001649355.9), dbSNP rs145996171, ClinGen allele CA8946128.

ClinVar aggregate classification (germline): Conflicting classifications of pathogenicity. Review status: criteria provided, conflicting classifications (1 of 4 stars). 2 submissions from 2 submitters: Uncertain significance (1); Benign (1). Last evaluated 2025-06-09.

Allele frequency attached by ClinVar (database versions not stated): 1000 Genomes Project 30x 0.00016; 1000 Genomes Project 0.00020.
gnomAD v4.1: 9 of 1,613,876 alleles (0.00056%); highest among the groups gnomAD compares: African/African-American, 0.012%; no homozygotes.

Submissions (2):

Labcorp Genetics (formerly Invitae), Labcorp
Classification: Benign. Last evaluated: 2025-06-09. Review status: criteria provided, single submitter. Criteria: Invitae Variant Classification Sherloc (09022015). Collection method: clinical testing. Allele origin: germline.

GeneDx
Classification: Uncertain significance. Last evaluated: 2023-02-02. Review status: criteria provided, single submitter. Criteria: GeneDx Variant Classification Process June 2021. Collection method: clinical testing. Allele origin: germline. Affected: yes.
Comment: In silico analysis supports that this missense variant has a deleterious effect on protein structure/function; Has not been previously published as pathogenic or benign to our knowledge